The following is an entry in ClinVar:

NM_006158.5(NEFL):c.285G>C (p.Gln95His)

Gene: NEFL (neurofilament light chain; minus strand). Cytogenetic location: 8p21.2.
Variant type: single nucleotide variant.
Coding change: c.285G>C on transcript NM_006158.5 (MANE Select); coding-DNA position 285, G replaced by C.
Protein change: p.Gln95His; replaces glutamine 95 with histidine.
Molecular consequence: missense variant.
Genome position (GRCh38, 1-based): chr8:24,956,231, C>G on the plus strand (G>C on the coding strand, the complement: NEFL is on the minus strand). VCF-style: chr8-24956231-C-G. GRCh37 (hg19) VCF-style: chr8-24813745-C-G.
Other names: short protein forms Q95H.
Identifiers: ClinVar variation 3666200 (VCV003666200.2).

ClinVar aggregate classification (germline): Uncertain significance (1 of 4 stars; one submission).

Conditions:
Charcot-Marie-Tooth disease type 2E (CMT2E). Also called: CHARCOT-MARIE-TOOTH DISEASE, AXONAL, TYPE 2E; CHARCOT-MARIE-TOOTH NEUROPATHY, TYPE 2E. Identifiers: Orphanet 99939, MedGen C1843225, MONDO:0011894, OMIM 607684.

Submission:

Labcorp Genetics (formerly Invitae), Labcorp
Classification: Uncertain significance for Charcot-Marie-Tooth disease type 2E. Last evaluated: 2024-10-22. Review status: criteria provided, single submitter. Criteria: Invitae Variant Classification Sherloc (09022015). Collection method: clinical testing. Allele origin: germline.
Comment: This sequence change replaces glutamine, which is neutral and polar, with histidine, which is basic and polar, at codon 95 of the NEFL protein (p.Gln95His). This variant is not present in population databases (gnomAD no frequency). This variant has not been reported in the literature in individuals affected with NEFL-related conditions. Invitae Evidence Modeling of protein sequence and biophysical properties (such as structural, functional, and spatial information, amino acid conservation, physicochemical variation, residue mobility, and thermodynamic stability) indicates that this missense variant is not expected to disrupt NEFL protein function with a negative predictive value of 80%. In summary, the available evidence is currently insufficient to determine the role of this variant in disease. Therefore, it has been classified as a Variant of Uncertain Significance.